The following is an entry in ClinVar:

ClinVar aggregate classification (germline): Uncertain significance (1 of 4 stars; one submission).

Conditions:
Inborn genetic diseases. Identifiers: MedGen C0950123, MeSH D030342.

Submission:

Ambry Genetics
Classification: Uncertain significance for Inborn genetic diseases. Last evaluated: 2025-01-02. Review status: criteria provided, single submitter. Criteria: Ambry Variant Classification Scheme 2023. Collection method: clinical testing. Allele origin: germline.
Comment: The p.A411S variant (also known as c.1231G>T), located in coding exon 5 of the SH2B3 gene, results from a G to T substitution at nucleotide position 1231. The alanine at codon 411 is replaced by serine, an amino acid with similar properties. This amino acid position is conserved. In addition, the in silico prediction for this alteration is inconclusive. Based on the available evidence, the clinical significance of this variant remains unclear.

NM_005475.3(SH2B3):c.1231G>T (p.Ala411Ser)

Gene: SH2B3 (SH2B adaptor protein 3; plus strand). Cytogenetic location: 12q24.12.
Variant type: single nucleotide variant.
Coding change: c.1231G>T on transcript NM_005475.3 (MANE Select); coding-DNA position 1231, G replaced by T.
Protein change: p.Ala411Ser; replaces alanine 411 with serine.
Molecular consequence: missense variant.
Genome position (GRCh38, 1-based): chr12:111,447,539, G>T. VCF-style: chr12-111447539-G-T. GRCh37 (hg19) VCF-style: chr12-111885343-G-T.
Other names: c.625G>T, p.Ala209Ser (NM_001291424.1); short protein forms A411S, A209S.
Identifiers: ClinVar variation 3795064 (VCV003795064.1).